The following is an entry in ClinVar:

ClinVar aggregate classification (germline): Likely benign (1 of 4 stars; one submission).

Allele frequency attached by ClinVar (database versions not stated): ExAC 0.00029; gnomAD 0.00071; 1000 Genomes Project 0.00080; TOPMed 0.00093; 1000 Genomes Project 30x 0.00094; ESP Exome Variant Server 0.00108.
gnomAD v4.1: 217 of 1,600,014 alleles (0.014%); highest among the groups gnomAD compares: African/African-American, 0.27%; no homozygotes.

Submission:

CeGaT Center for Human Genetics Tuebingen
Classification: Likely benign. Last evaluated: 2023-02-01. Review status: criteria provided, single submitter. Criteria: CeGaT Center For Human Genetics Tuebingen Variant Classification Criteria Version 2. Collection method: clinical testing. Allele origin: germline. Affected: yes. Observed: 1 variant allele.
Comment: WDFY3: PP2, BS1

NM_014991.6(WDFY3):c.3145G>C (p.Asp1049His)

Gene: WDFY3 (WD repeat and FYVE domain containing 3; minus strand). Cytogenetic location: 4q21.23.
Variant type: single nucleotide variant.
Coding change: c.3145G>C on transcript NM_014991.6 (MANE Select); coding-DNA position 3145, G replaced by C.
Protein change: p.Asp1049His; replaces aspartic acid 1049 with histidine.
Molecular consequence: missense variant.
Genome position (GRCh38, 1-based): chr4:84,796,543, C>G on the plus strand (G>C on the coding strand, the complement: WDFY3 is on the minus strand). VCF-style: chr4-84796543-C-G. GRCh37 (hg19) VCF-style: chr4-85717696-C-G.
Other names: short protein forms D1049H.
Identifiers: ClinVar variation 2498955 (VCV002498955.28), dbSNP rs151088392, ClinGen allele CA2993575.